The following is an entry in ClinVar:

ClinVar aggregate classification (germline): Uncertain significance (1 of 4 stars; one submission).

Conditions:
Ataxia-telangiectasia syndrome (AT). Also called: ATAXIA-TELANGIECTASIA, COMPLEMENTATION GROUP A; ATAXIA-TELANGIECTASIA, FRESNO VARIANT; LOUIS-BAR SYNDROME; Ataxia-telangiectasia; Cerebello-oculocutaneous telangiectasia; Immunodeficiency with ataxia telangiectasia. Identifiers: Orphanet 100, MedGen C0004135, MONDO:0008840, OMIM 208900.

Submission:

Labcorp Genetics (formerly Invitae), Labcorp
Classification: Uncertain significance for Ataxia-telangiectasia syndrome. Last evaluated: 2025-04-09. Review status: criteria provided, single submitter. Criteria: Invitae Variant Classification Sherloc (09022015). Collection method: clinical testing. Allele origin: germline.
Comment: This sequence change replaces leucine, which is neutral and non-polar, with valine, which is neutral and non-polar, at codon 1282 of the ATM protein (p.Leu1282Val). This variant is not present in population databases (gnomAD no frequency). This variant has not been reported in the literature in individuals affected with ATM-related conditions. ClinVar contains an entry for this variant (Variation ID: 1475999). Invitae Evidence Modeling of protein sequence and biophysical properties (such as structural, functional, and spatial information, amino acid conservation, physicochemical variation, residue mobility, and thermodynamic stability) indicates that this missense variant is not expected to disrupt ATM protein function with a negative predictive value of 95%. In summary, the available evidence is currently insufficient to determine the role of this variant in disease. Therefore, it has been classified as a Variant of Uncertain Significance.

NM_000051.4(ATM):c.3844C>G (p.Leu1282Val)

Gene: ATM (ATM serine/threonine kinase; plus strand). Cytogenetic location: 11q22.3.
Variant type: single nucleotide variant.
Coding change: c.3844C>G on transcript NM_000051.4 (MANE Select); coding-DNA position 3844, C replaced by G.
Protein change: p.Leu1282Val; replaces leucine 1282 with valine.
Molecular consequence: missense variant.
Genome position (GRCh38, 1-based): chr11:108,284,324, C>G. VCF-style: chr11-108284324-C-G. GRCh37 (hg19) VCF-style: chr11-108155051-C-G.
Other names: c.3844C>G, p.Leu1282Val (NM_001351834.2); short protein forms L1282V.
Identifiers: ClinVar variation 1475999 (VCV001475999.8), dbSNP rs876660568, ClinGen allele CA382525150.